The following is an entry in ClinVar:

NM_021098.3(CACNA1H):c.5988C>T (p.His1996=)

Gene: CACNA1H (calcium voltage-gated channel subunit alpha1 H; plus strand). Cytogenetic location: 16p13.3.
Variant type: single nucleotide variant.
Coding change: c.5988C>T on transcript NM_021098.3 (MANE Select); coding-DNA position 5988, C replaced by T.
Protein change: p.His1996=; no amino-acid change (histidine 1996 retained).
Molecular consequence: synonymous variant.
Genome position (GRCh38, 1-based): chr16:1,219,070, C>T. VCF-style: chr16-1219070-C-T. GRCh37 (hg19) VCF-style: chr16-1269070-C-T.
Other names: p.His1996=; c.5970C>T, p.His1990= (NM_001005407.2).
Identifiers: ClinVar variation 994572 (VCV000994572.14), dbSNP rs534974071, ClinGen allele CA7802192.
Genomic context (GRCh38, chr16:1,219,070, plus strand): 5'-TGCCTCCCTCCAGATCCCATTGGCTGTGTCGTCCCCAGCCAGGAGCGGCGAGCCCCTCCA[C>T]GCCCTGTCCCCTCGGGGCACAGCCCGCTCCCCCAGTCTCAGCCGGCTGCTCTGCAGACAG-3'
Protein context (NP_066921.2, residues 1986-2006): SSPARSGEPL[His1996=]ALSPRGTARS

ClinVar aggregate classification (germline): Benign/Likely benign. Review status: criteria provided, multiple submitters, no conflicts (2 of 4 stars). 5 submissions from 5 submitters: Benign (3); Likely benign (1). 1 of the submissions does not count toward it. Last evaluated 2026-01-13.

Conditions:
CACNA1H-related disorder.
Idiopathic generalized epilepsy. Also called: EIG; Generalised epilepsy. Identifiers: MedGen C0270850, MONDO:0005579, OMIM 600669.
Hyperaldosteronism, familial, type IV (HALD4). Also called: ALDOSTERONISM, PRIMARY, AND HYPERTENSION; FH IV. Identifiers: Orphanet 642671, MedGen C4310756, MONDO:0014875, OMIM 617027.
Epilepsy, childhood absence, susceptibility to, 6. Identifiers: Orphanet 64280, MedGen C2749872, MONDO:0012763, OMIM 611942.

Allele frequency attached by ClinVar (database versions not stated): gnomAD 0.00027 and 0.00107; TOPMed 0.00037; gnomAD exomes 0.00142 and 0.00396; 1000 Genomes Project 0.00579; 1000 Genomes Project 30x 0.00593; ExAC 0.01232.
gnomAD v4.1: 2,157 of 1,549,792 alleles (0.14%); highest among the groups gnomAD compares: South Asian, 2.3%; 42 homozygotes.

Submissions (5):

Labcorp Genetics (formerly Invitae), Labcorp
Classification: Benign for Idiopathic generalized epilepsy; Hyperaldosteronism, familial, type IV. Last evaluated: 2026-01-13. Review status: criteria provided, single submitter. Criteria: Invitae Variant Classification Sherloc (09022015). Collection method: clinical testing. Allele origin: germline.

Mayo Clinic Laboratories, Mayo Clinic
Classification: Benign. Last evaluated: 2025-09-12. Review status: criteria provided, single submitter. Criteria: ACMG Guidelines, 2015. Collection method: clinical testing. Allele origin: germline. Observed: 1 variant allele.
Comment: BS1, BS2, BP4, BP7

Fulgent Genetics
Classification: Likely benign for Epilepsy, childhood absence, susceptibility to, 6; Hyperaldosteronism, familial, type IV. Last evaluated: 2021-10-04. Review status: criteria provided, single submitter. Criteria: ACMG Guidelines, 2015. Collection method: clinical testing. Allele origin: unknown.

Athena Diagnostics
Classification: Benign. Last evaluated: 2019-10-23. Review status: criteria provided, single submitter. Criteria: Athena Diagnostics Criteria. Collection method: clinical testing. Allele origin: unknown.

PreventionGenetics, part of Exact Sciences
Classification: Benign for CACNA1H-related condition. Last evaluated: 2019-04-03. Review status: no assertion criteria provided. Collection method: clinical testing. Allele origin: germline. Not counted in ClinVar's aggregate classification.
Comment: This variant is classified as benign based on ACMG/AMP sequence variant interpretation guidelines (Richards et al. 2015 PMID: 25741868, with internal and published modifications).